The following is an entry in ClinVar:

ClinVar aggregate classification (germline): Uncertain significance. Review status: criteria provided, multiple submitters, no conflicts (2 of 4 stars). 2 submissions from 2 submitters: Uncertain significance (2). Last evaluated 2024-02-23.

Conditions:
Hereditary cancer-predisposing syndrome. Also called: Neoplastic Syndromes, Hereditary; Tumor predisposition; Hereditary neoplastic syndrome; Hereditary Cancer Syndrome. Identifiers: Orphanet 140162, MedGen C0027672, MeSH D009386, MONDO:0015356.

Allele frequency attached by ClinVar (database versions not stated): gnomAD exomes below 0.00001.
gnomAD v4.1: 1 of 1,613,868 alleles (0.000062%); highest among the groups gnomAD compares: Admixed American, 0.0017%; no homozygotes.

Submissions (2):

Labcorp Genetics (formerly Invitae), Labcorp
Classification: Uncertain significance. Last evaluated: 2024-02-23. Review status: criteria provided, single submitter. Criteria: Invitae Variant Classification Sherloc (09022015). Collection method: clinical testing. Allele origin: germline.
Comment: This sequence change replaces aspartic acid, which is acidic and polar, with glycine, which is neutral and non-polar, at codon 90 of the POLE protein (p.Asp90Gly). This variant is not present in population databases (gnomAD no frequency). This variant has not been reported in the literature in individuals affected with POLE-related conditions. ClinVar contains an entry for this variant (Variation ID: 1389615). Advanced modeling of protein sequence and biophysical properties (such as structural, functional, and spatial information, amino acid conservation, physicochemical variation, residue mobility, and thermodynamic stability) performed at Invitae indicates that this missense variant is not expected to disrupt POLE protein function with a negative predictive value of 80%. In summary, the available evidence is currently insufficient to determine the role of this variant in disease. Therefore, it has been classified as a Variant of Uncertain Significance.

Ambry Genetics
Classification: Uncertain significance for Hereditary cancer-predisposing syndrome. Last evaluated: 2021-10-31. Review status: criteria provided, single submitter. Criteria: Ambry Variant Classification Scheme 2023. Collection method: clinical testing. Allele origin: germline.
Comment: The p.D90G variant (also known as c.269A>G), located in coding exon 3 of the POLE gene, results from an A to G substitution at nucleotide position 269. The aspartic acid at codon 90 is replaced by glycine, an amino acid with similar properties. This amino acid position is conserved. In addition, the in silico prediction for this alteration is inconclusive. Since supporting evidence is limited at this time, the clinical significance of this alteration remains unclear.

NM_006231.4(POLE):c.269A>G (p.Asp90Gly)

Gene: POLE (DNA polymerase epsilon, catalytic subunit; minus strand). Cytogenetic location: 12q24.33.
Variant type: single nucleotide variant.
Coding change: c.269A>G on transcript NM_006231.4 (MANE Select); coding-DNA position 269, A replaced by G.
Protein change: p.Asp90Gly; replaces aspartic acid 90 with glycine.
Molecular consequence: missense variant.
Genome position (GRCh38, 1-based): chr12:132,680,623, T>C on the plus strand (A>G on the coding strand, the complement: POLE is on the minus strand). VCF-style: chr12-132680623-T-C. GRCh37 (hg19) VCF-style: chr12-133257209-T-C.
Other names: short protein forms D90G.
Identifiers: ClinVar variation 1389615 (VCV001389615.8), dbSNP rs903149427, ClinGen allele CA246302936.